The following is an entry in ClinVar:

NM_145045.5(ODAD3):c.1114C>T (p.His372Tyr)

Gene: ODAD3 (outer dynein arm docking complex subunit 3; minus strand). Cytogenetic location: 19p13.2.
Variant type: single nucleotide variant.
Coding change: c.1114C>T on transcript NM_145045.5 (MANE Select); coding-DNA position 1114, C replaced by T.
Protein change: p.His372Tyr; replaces histidine 372 with tyrosine.
Molecular consequence: missense variant.
Genome position (GRCh38, 1-based): chr19:11,423,879, G>A on the plus strand (C>T on the coding strand, the complement: ODAD3 is on the minus strand). VCF-style: chr19-11423879-G-A. GRCh37 (hg19) VCF-style: chr19-11534548-G-A.
Other names: c.952C>T, p.His318Tyr (NM_001302453.1); c.934C>T, p.His312Tyr (NM_001302454.2); short protein forms H312Y, H318Y, H372Y.
Identifiers: ClinVar variation 1682768 (VCV001682768.6), dbSNP rs1969199869, ClinGen allele CA404121389.

ClinVar aggregate classification (germline): Uncertain significance (1 of 4 stars; one submission).

Conditions:
Primary ciliary dyskinesia 30. Also called: CILIARY DYSKINESIA, PRIMARY, 30, WITH OR WITHOUT SITUS INVERSUS. Identifiers: Orphanet 244, MedGen C4015016, MONDO:0014465, OMIM 616037.

Submission:

Labcorp Genetics (formerly Invitae), Labcorp
Classification: Uncertain significance for Primary ciliary dyskinesia 30. Last evaluated: 2024-02-24. Review status: criteria provided, single submitter. Criteria: Invitae Variant Classification Sherloc (09022015). Collection method: clinical testing. Allele origin: germline.
Comment: This sequence change replaces histidine, which is basic and polar, with tyrosine, which is neutral and polar, at codon 372 of the CCDC151 protein (p.His372Tyr). This variant is not present in population databases (gnomAD no frequency). This variant has not been reported in the literature in individuals affected with CCDC151-related conditions. ClinVar contains an entry for this variant (Variation ID: 1682768). An algorithm developed to predict the effect of missense changes on protein structure and function (PolyPhen-2) suggests that this variant is likely to be disruptive. Algorithms developed to predict the effect of sequence changes on RNA splicing suggest that this variant may disrupt the consensus splice site. In summary, the available evidence is currently insufficient to determine the role of this variant in disease. Therefore, it has been classified as a Variant of Uncertain Significance.